The following is an entry in ClinVar:

NM_001001548.3(CD36):c.429+1G>A

Gene: CD36 (CD36 molecule (CD36 blood group); plus strand). Cytogenetic location: 7q21.11.
Variant type: single nucleotide variant.
Coding change: c.429+1G>A on transcript NM_001001548.3 (MANE Select); the canonical splice donor site of the intron after coding-DNA position 429, G replaced by A.
Molecular consequence: splice donor variant.
Genome position (GRCh38, 1-based): chr7:80,661,211, G>A. VCF-style: chr7-80661211-G-A. GRCh37 (hg19) VCF-style: chr7-80290527-G-A.
Other names: NC_000007.13:g.80290527G>A; c.429+1G>A (NM_001371075.1, NM_001001547.3, NM_001371074.1 and 7 more transcripts); c.-54+1G>A (NM_001371081.1); c.201+1G>A (NM_001289911.2); c.-37+1G>A (NM_001371080.1); c.327+1G>A (NM_001371079.1).
Identifiers: ClinVar variation 3351515 (VCV003351515.5).

ClinVar aggregate classification (germline): Conflicting classifications of pathogenicity. Review status: criteria provided, conflicting classifications (1 of 4 stars). 3 submissions from 3 submitters: Likely pathogenic (1); Uncertain significance (1). 1 of the submissions does not count toward it. Last evaluated 2026-01-20.

Conditions:
Platelet-type bleeding disorder 10. Also called: CD36 DEFICIENCY. Identifiers: MedGen C1842090, MONDO:0012031, OMIM 608404.
CD36-related disorder. Also called: CD36-related condition; CD36-related disorders.

gnomAD v4.1: 61 of 1,613,522 alleles (0.0038%); highest among the groups gnomAD compares: African/African-American, 0.075%; 1 homozygote.

Submissions (5):

Dasa
Classification: Uncertain significance. Last evaluated: 2026-01-20. Review status: criteria provided, single submitter. Criteria: DASA Assertion Criteria. Collection method: clinical testing. Allele origin: germline.
Comment: NM_001001548.3(CD36):c.429+1G>A affects a canonical splice site and is predicted to disrupt normal RNA splicing. This variant is rare in population databases. The currently available literature and clinical evidence are not sufficient to establish a definitive association between this variant and the reported condition. Therefore, this variant is classified as a variant of uncertain significance.

Genomic Medicine Center of Excellence, King Faisal Specialist Hospital and Research Centre
Classification: Likely pathogenic for Platelet-type bleeding disorder 10. Last evaluated: 2025-09-10. Review status: criteria provided, single submitter. Criteria: ACMG Guidelines, 2015. Collection method: clinical testing. Allele origin: germline.

PreventionGenetics, part of Exact Sciences
Classification: Likely pathogenic for CD36-related condition. Last evaluated: 2024-06-25. Review status: no assertion criteria provided. Collection method: clinical testing. Allele origin: germline. Not counted in ClinVar's aggregate classification.
Comment: The CD36 c.429+1G>A variant is predicted to disrupt the GT donor site and interfere with normal splicing. This variant was reported in a large cohort study of novel genes associated with cardiovascular traits (search 7:80290527 in Table S1, Glicksberg. 2019. PubMed ID: 31345219). This variant is reported in 0.056% of alleles in individuals of African descent in gnomAD. Variants that disrupt the consensus splice donor site in CD36 are expected to be pathogenic. This variant is interpreted as likely pathogenic.

Dr. Peter K. Rogan Lab, Western University
No classification provided (evidence only). Condition: Clear cell carcinoma of kidney. Review status: no classification provided. Collection method: in vitro. Allele origin: not applicable. Functional consequence: retained intron. Not counted in ClinVar's aggregate classification.

Dr. Peter K. Rogan Lab, Western University
No classification provided (evidence only). Condition: Acute myeloid leukemia. Review status: no classification provided. Collection method: in vitro. Allele origin: not applicable. Functional consequence: skipped exon, retained intron. Not counted in ClinVar's aggregate classification.